The following is an entry in ClinVar:

ClinVar aggregate classification (germline): Likely pathogenic. Review status: criteria provided, multiple submitters, no conflicts (2 of 4 stars). 2 submissions from 2 submitters: Likely pathogenic (2). Last evaluated 2024-12-01.

Conditions:
Congenital anomalies of kidney and urinary tract 1. Also called: Renal hypodysplasia, nonsyndromic, 1; Congenital anomalies of kidney and urinary tract 1, susceptibility to. Identifiers: MedGen C1835826, MONDO:0012561, OMIM 610805.
Focal segmental glomerulosclerosis 7 (FSGS7). Identifiers: Orphanet 656, MedGen C4014925, MONDO:0014451, OMIM 616002.

Submissions (2):

Department of Pediatrics, Seoul National University Bundang Hospital
Classification: Likely pathogenic for Congenital anomalies of kidney and urinary tract 1. Last evaluated: 2024-12-01. Review status: criteria provided, single submitter. Criteria: ACMG Guidelines, 2015. Collection method: clinical testing. Allele origin: unknown. Inheritance: Autosomal dominant inheritance. Observed: 1 variant allele.
Comment: The p.Leu69Pro is a missense variant and is regarded as likely pathogenic (PM1, PM2, PP3, PP5, according to ACMG criteria). It has been reported in the following publication (PMID: 22213154).

3billion
Classification: Likely pathogenic for Focal segmental glomerulosclerosis 7. Last evaluated: 2024-03-04. Review status: criteria provided, single submitter. Criteria: ACMG Guidelines, 2015. Collection method: clinical testing. Allele origin: germline. Affected: yes.
Comment: The variant is not observed in the gnomAD v2.1.1 dataset. Predicted Consequence/Location: The variant is located in a mutational hot spot and/or well-established functional domain in which established pathogenic variants have been reported (PMID: 22213154). In silico tool predictions suggest damaging effect of the variant on gene or gene product [REVEL: 0.97 (>=0.6, sensitivity 0.68 and specificity 0.92); 3Cnet: 0.99 (>=0.6, sensitivity 0.72 and precision 0.9)]. Same nucleotide change resulting in same amino acid change has been previously reported to be associated with PAX2 related disorder (PMID: 22213154). Therefore, this variant is classified as Likely pathogenic according to the recommendation of ACMG/AMP guideline.

Literature cited by the submitters: PubMed 22213154 (cited by Department of Pediatrics, Seoul National University Bundang Hospital and 3billion).

NM_000278.5(PAX2):c.206T>C (p.Leu69Pro)

Gene: PAX2 (paired box 2; plus strand). Cytogenetic location: 10q24.31.
Variant type: single nucleotide variant.
Coding change: c.206T>C on transcript NM_000278.5 (MANE Select); coding-DNA position 206, T replaced by C.
Protein change: p.Leu69Pro; replaces leucine 69 with proline.
Molecular consequence: missense variant.
Genome position (GRCh38, 1-based): chr10:100,749,908, T>C. VCF-style: chr10-100749908-T-C. GRCh37 (hg19) VCF-style: chr10-102509665-T-C.
Other names: c.299T>C, p.Leu100Pro (NM_001304569.2); c.206T>C, p.Leu69Pro (NM_003987.5, NM_003988.5, NM_003989.5 and 1 more transcripts); short protein forms L100P, L69P.
Identifiers: ClinVar variation 3602563 (VCV003602563.2).